The following is an entry in ClinVar:

NM_014855.3(AP5Z1):c.487C>T (p.Leu163Phe)

Gene: AP5Z1 (adaptor related protein complex 5 subunit zeta 1; plus strand). Cytogenetic location: 7p22.1.
Variant type: single nucleotide variant.
Coding change: c.487C>T on transcript NM_014855.3 (MANE Select); coding-DNA position 487, C replaced by T.
Protein change: p.Leu163Phe; replaces leucine 163 with phenylalanine.
Molecular consequence: missense variant. On other transcripts: non-coding transcript variant (1).
Genome position (GRCh38, 1-based): chr7:4,783,436, C>T. VCF-style: chr7-4783436-C-T. GRCh37 (hg19) VCF-style: chr7-4823067-C-T.
Other names: c.19C>T, p.Leu7Phe (NM_001364858.1); short protein forms L163F, L7F.
Identifiers: ClinVar variation 2413828 (VCV002413828.6), dbSNP rs780740270, ClinGen allele CA4137223.

ClinVar aggregate classification (germline): Uncertain significance (1 of 4 stars; one submission).

Conditions:
Hereditary spastic paraplegia 48. Also called: Spastic paraplegia 48; SPASTIC PARAPLEGIA 48, AUTOSOMAL RECESSIVE. Identifiers: Orphanet 306511, MedGen C3150901, MONDO:0013342, OMIM 613647.

Allele frequency attached by ClinVar (database versions not stated): ExAC 0.00001; gnomAD exomes 0.00001.

Submission:

Labcorp Genetics (formerly Invitae), Labcorp
Classification: Uncertain significance for Hereditary spastic paraplegia 48. Last evaluated: 2022-09-30. Review status: criteria provided, single submitter. Criteria: Invitae Variant Classification Sherloc (09022015). Collection method: clinical testing. Allele origin: germline.
Comment: In summary, the available evidence is currently insufficient to determine the role of this variant in disease. Therefore, it has been classified as a Variant of Uncertain Significance. Advanced modeling of protein sequence and biophysical properties (such as structural, functional, and spatial information, amino acid conservation, physicochemical variation, residue mobility, and thermodynamic stability) performed at Invitae indicates that this missense variant is not expected to disrupt AP5Z1 protein function. This variant has not been reported in the literature in individuals affected with AP5Z1-related conditions. This variant is present in population databases (rs780740270, gnomAD 0.009%). This sequence change replaces leucine, which is neutral and non-polar, with phenylalanine, which is neutral and non-polar, at codon 163 of the AP5Z1 protein (p.Leu163Phe).